The following is an entry in ClinVar:

NM_000548.5(TSC2):c.4627del (p.His1543fs)

Gene: TSC2 (TSC complex subunit 2; plus strand). Cytogenetic location: 16p13.3.
Variant type: Deletion.
Coding change: c.4627del on transcript NM_000548.5 (MANE Select); coding-DNA position 4627, one base deleted (C; older notation c.4627delC).
Protein change: p.His1543fs; shifts the reading frame from histidine 1543.
Molecular consequence: frameshift variant. On other transcripts: non-coding transcript variant (5).
Genome position (GRCh38, 1-based): chr16:2,085,287, C deleted; the last of 3 consecutive C bases (chr16:2,085,285-2,085,287); deleting any one gives the same sequence. VCF-style (leftmost placement, unchanged base first): chr16-2085284-AC-A. GRCh37 (hg19) VCF-style: chr16-2135285-AC-A.
Other names: c.4426del, p.His1476fs (NM_001077183.3); c.4558del, p.His1520fs (NM_001114382.3); c.4318del, p.His1440fs (NM_001318827.2); c.4282del, p.His1428fs (NM_001318829.2); c.3895del, p.His1299fs (NM_001318831.2); c.4459del, p.His1487fs (NM_001318832.2); c.4429del, p.His1477fs (NM_001363528.2); c.4495del, p.His1499fs (NM_001370404.1); and 26 more; short protein forms H1028fs, H1029fs, H1051fs, H1052fs, H1072fs, H1276fs, H1277fs, H1299fs.
Identifiers: ClinVar variation 4866112 (VCV004866112.1).

ClinVar aggregate classification (germline): Pathogenic (1 of 4 stars; one submission).

Conditions:
Hereditary cancer-predisposing syndrome. Also called: Neoplastic Syndromes, Hereditary; Tumor predisposition; Hereditary Cancer Syndrome; Hereditary neoplastic syndrome. Identifiers: Orphanet 140162, MedGen C0027672, MeSH D009386, MONDO:0015356.

Submission:

Ambry Genetics
Classification: Pathogenic for Hereditary cancer-predisposing syndrome. Last evaluated: 2026-05-19. Review status: criteria provided, single submitter. Criteria: Ambry Variant Classification Scheme 2023. Collection method: clinical testing. Allele origin: germline.
Comment: The c.4627delC pathogenic mutation, located in coding exon 35 of the TSC2 gene, results from a deletion of one nucleotide at nucleotide position 4627, causing a translational frameshift with a predicted alternate stop codon (p.H1543Tfs*33). This variant is considered to be rare based on population cohorts in the Genome Aggregation Database (gnomAD). This alteration is expected to result in loss of function by premature protein truncation or nonsense-mediated mRNA decay. As such, this alteration is interpreted as a disease-causing mutation.